The following is an entry in ClinVar:

ClinVar aggregate classification (germline): Uncertain significance (1 of 4 stars; one submission).

Conditions:
Cohen syndrome (COH1). Also called: PEPPER SYNDROME; Cutis verticis gyrata, retinitis pigmentosa, and sensorineural deafness. Identifiers: Orphanet 193, MedGen C0265223, MONDO:0008999, OMIM 216550.

Submission:

Labcorp Genetics (formerly Invitae), Labcorp
Classification: Uncertain significance for Cohen syndrome. Last evaluated: 2022-08-23. Review status: criteria provided, single submitter. Criteria: Invitae Variant Classification Sherloc (09022015). Collection method: clinical testing. Allele origin: germline.
Comment: In summary, the available evidence is currently insufficient to determine the role of this variant in disease. Therefore, it has been classified as a Variant of Uncertain Significance. Algorithms developed to predict the effect of missense changes on protein structure and function are either unavailable or do not agree on the potential impact of this missense change (SIFT: "Not Available"; PolyPhen-2: "Benign"; Align-GVGD: "Not Available"). ClinVar contains an entry for this variant (Variation ID: 851046). This variant has not been reported in the literature in individuals affected with VPS13B-related conditions. This variant is not present in population databases (gnomAD no frequency). This sequence change replaces phenylalanine, which is neutral and non-polar, with leucine, which is neutral and non-polar, at codon 2510 of the VPS13B protein (p.Phe2510Leu).

NM_152564.5(VPS13B):c.7453T>C (p.Phe2485Leu)

Gene: VPS13B (vacuolar protein sorting 13 homolog B; plus strand). Cytogenetic location: 8q22.2.
Variant type: single nucleotide variant.
Coding change: c.7453T>C on transcript NM_152564.5 (MANE Select); coding-DNA position 7453, T replaced by C.
Protein change: p.Phe2485Leu; replaces phenylalanine 2485 with leucine.
Molecular consequence: missense variant.
Genome position (GRCh38, 1-based): chr8:99,778,705, T>C. VCF-style: chr8-99778705-T-C. GRCh37 (hg19) VCF-style: chr8-100790933-T-C.
Other names: c.7528T>C, p.Phe2510Leu (NM_017890.5); short protein forms F2485L, F2510L.
Identifiers: ClinVar variation 851046 (VCV000851046.9), dbSNP rs1811864935, ClinGen allele CA371875981.
Genomic context (GRCh38, chr8:99,778,705, plus strand): 5'-TCTTAATTGCTGTTTTCCTTGTTTGTTTTCTCAACAGCTGCACCACAGTACCTACAGCCA[T>C]TTGTTTCCGACAGAAATATGCCATCTGAACTAGAATACATGATTGTTTCCTTCAGAGAAC-3'
Protein context (NP_689777.3, residues 2475-2495): GTAAPQYLQP[Phe2485Leu]VSDRNMPSEL